The following is an entry in ClinVar:

ClinVar aggregate classification (germline): Uncertain significance (1 of 4 stars; one submission).

Submission:

Greenwood Genetic Center Diagnostic Laboratories, Greenwood Genetic Center
Classification: Uncertain significance. Last evaluated: 2024-11-26. Review status: criteria provided, single submitter. Criteria: ACMG Guidelines, 2015. Collection method: clinical testing. Allele origin: germline. Affected: yes.
Comment: PM2, BP4

NM_001042492.3(NF1):c.60+25067G>T

Gene: NF1 (neurofibromin 1; plus strand). Cytogenetic location: 17q11.2.
Variant type: single nucleotide variant.
Coding change: c.60+25067G>T on transcript NM_001042492.3 (MANE Select); 25067 bases into the intron after coding-DNA position 60, G replaced by T.
Molecular consequence: intron variant.
Genome position (GRCh38, 1-based): chr17:31,120,436, G>T. VCF-style: chr17-31120436-G-T. GRCh37 (hg19) VCF-style: chr17-29447454-G-T.
Other names: c.60+25067G>T (NM_000267.4, NM_001128147.3).
Identifiers: ClinVar variation 3765794 (VCV003765794.1).
Genomic context (GRCh38, chr17:31,120,436, plus strand): 5'-GAATGGGAATTCACTCATGATTTGGCTGTTTGTCTGTTATTGGTGTATAGGAATGCTTGT[G>T]ATTTTTGCACATTGATTTTGTATCCTGAAACTTTGCTGAAGTTGCTTCTCAGCTAAAGGA-3'